The following is an entry in ClinVar:

ClinVar aggregate classification (germline): Uncertain significance (1 of 4 stars; one submission).

gnomAD v4.1: 4 of 1,614,080 alleles (0.00025%); highest among the groups gnomAD compares: Non-Finnish European, 0.00025%; no homozygotes.

Submission:

Labcorp Genetics (formerly Invitae), Labcorp
Classification: Uncertain significance. Last evaluated: 2025-12-27. Review status: criteria provided, single submitter. Criteria: Invitae Variant Classification Sherloc (09022015). Collection method: clinical testing. Allele origin: germline.
Comment: This sequence change replaces alanine, which is neutral and non-polar, with proline, which is neutral and non-polar, at codon 746 of the KIF23 protein (p.Ala746Pro). This variant is present in population databases (rs367651357, gnomAD 0.01%). This variant has not been reported in the literature in individuals affected with KIF23-related conditions. An algorithm developed to predict the effect of missense changes on protein structure and function (PolyPhen-2) suggests that this variant is likely to be tolerated. In summary, the available evidence is currently insufficient to determine the role of this variant in disease. Therefore, it has been classified as a Variant of Uncertain Significance.

NM_001367805.3(KIF23):c.2278G>C (p.Ala760Pro)

Gene: KIF23 (kinesin family member 23; plus strand). Cytogenetic location: 15q23.
Variant type: single nucleotide variant.
Coding change: c.2278G>C on transcript NM_001367805.3 (MANE Select); coding-DNA position 2278, G replaced by C.
Protein change: p.Ala760Pro; replaces alanine 760 with proline.
Molecular consequence: missense variant. On other transcripts: non-coding transcript variant (1), intron variant (1).
Genome position (GRCh38, 1-based): chr15:69,440,936, G>C. VCF-style: chr15-69440936-G-C. GRCh37 (hg19) VCF-style: chr15-69733275-G-C.
Other names: c.1906G>C, p.Ala636Pro (NM_001281301.2); c.2236G>C, p.Ala746Pro (NM_001367804.2, NM_138555.4); c.2067+449G>C (NM_004856.7); short protein forms A636P, A746P, A760P.
Identifiers: ClinVar variation 4805625 (VCV004805625.1).